The following is an entry in ClinVar:

ClinVar aggregate classification (germline): Uncertain significance (1 of 4 stars; one submission).

Conditions:
Intellectual developmental disorder, X-linked 1. Also called: Intellectual disability, X-linked 1; Atkin Flaitz Patil Smith syndrome; MENTAL RETARDATION, X-LINKED 18; MENTAL RETARDATION, X-LINKED 78. Identifiers: Orphanet 777, MedGen C2931498, MONDO:0010656, OMIM 309530.

Allele frequency attached by ClinVar (database versions not stated): gnomAD exomes below 0.00001 and 0.00001; TOPMed below 0.00001; gnomAD 0.00001.

Submission:

Labcorp Genetics (formerly Invitae), Labcorp
Classification: Uncertain significance for Intellectual developmental disorder, X-linked 1. Last evaluated: 2024-01-19. Review status: criteria provided, single submitter. Criteria: Invitae Variant Classification Sherloc (09022015). Collection method: clinical testing. Allele origin: germline.
Comment: This sequence change replaces proline, which is neutral and non-polar, with leucine, which is neutral and non-polar, at codon 552 of the IQSEC2 protein (p.Pro552Leu). This variant is not present in population databases (gnomAD no frequency). This variant has not been reported in the literature in individuals affected with IQSEC2-related conditions. ClinVar contains an entry for this variant (Variation ID: 1499867). Advanced modeling of protein sequence and biophysical properties (such as structural, functional, and spatial information, amino acid conservation, physicochemical variation, residue mobility, and thermodynamic stability) performed at Invitae indicates that this missense variant is not expected to disrupt IQSEC2 protein function with a negative predictive value of 95%. In summary, the available evidence is currently insufficient to determine the role of this variant in disease. Therefore, it has been classified as a Variant of Uncertain Significance.

NM_001111125.3(IQSEC2):c.1655C>T (p.Pro552Leu)

Gene: IQSEC2 (IQ motif and Sec7 domain ArfGEF 2; minus strand). Cytogenetic location: Xp11.22.
Variant type: single nucleotide variant.
Coding change: c.1655C>T on transcript NM_001111125.3 (MANE Select); coding-DNA position 1655, C replaced by T.
Protein change: p.Pro552Leu; replaces proline 552 with leucine.
Molecular consequence: missense variant.
Genome position (GRCh38, 1-based): chrX:53,250,921, G>A on the plus strand (C>T on the coding strand, the complement: IQSEC2 is on the minus strand). VCF-style: chrX-53250921-G-A. GRCh37 (hg19) VCF-style: chrX-53280103-G-A.
Other names: c.1040C>T, p.Pro347Leu (NM_015075.2); short protein forms P347L, P552L.
Identifiers: ClinVar variation 1499867 (VCV001499867.8), dbSNP rs1296515292, ClinGen allele CA413164744.
Genomic context (GRCh38, chrX:53,250,921, plus strand): 5'-GTGCCTTCCTCACGGCTACCGTCTTCCCGGGTTCCTGATGGCACTGGTGGAGGAACTGGC[G>A]GGAGAGGGGCTGGCGCCCAGAACTCGGGCCGGCCCTGGGGTGGGGGTTCTGTGCTGGGCA-3'
Protein context (NP_001104595.1, residues 542-562): RPEFWAPAPL[Pro552Leu]PVPPPVPSGT